The following is an entry in ClinVar:

NM_001378454.1(ALMS1):c.6404C>T (p.Pro2135Leu)

Gene: ALMS1 (ALMS1 centrosome and basal body associated protein; plus strand). Cytogenetic location: 2p13.1.
Variant type: single nucleotide variant.
Coding change: c.6404C>T on transcript NM_001378454.1 (MANE Select); coding-DNA position 6404, C replaced by T.
Protein change: p.Pro2135Leu; replaces proline 2135 with leucine.
Molecular consequence: missense variant.
Genome position (GRCh38, 1-based): chr2:73,452,931, C>T. VCF-style: chr2-73452931-C-T. GRCh37 (hg19) VCF-style: chr2-73680058-C-T.
Other names: c.6407C>T, p.Pro2136Leu (NM_015120.4); short protein forms P2136L, P2135L.
Identifiers: ClinVar variation 1753358 (VCV001753358.2), dbSNP rs1341709747, ClinGen allele CA347287480.
Genomic context (GRCh38, chr2:73,452,931, plus strand): 5'-CTGAAGATGTGCTGAAGGTTTCAACAATTCCTGGACCAGCTGGCCAGAAAACAGTATTAC[C>T]AACAGCTCTTCCTAGTTCCTTTTCACATCGAGAGAAACCAGATATTTTCTATCAAAAGGA-3'
Protein context (NP_001365383.1, residues 2125-2145): PGPAGQKTVL[Pro2135Leu]TALPSSFSHR

ClinVar aggregate classification (germline): Uncertain significance (1 of 4 stars; one submission).

Conditions:
Cardiovascular phenotype. Identifiers: MedGen CN230736.

Submission:

Ambry Genetics
Classification: Uncertain significance for Cardiovascular phenotype. Last evaluated: 2023-12-14. Review status: criteria provided, single submitter. Criteria: Ambry Variant Classification Scheme 2023. Collection method: clinical testing. Allele origin: germline.
Comment: The p.P2136L variant (also known as c.6407C>T), located in coding exon 8 of the ALMS1 gene, results from a C to T substitution at nucleotide position 6407. The proline at codon 2136 is replaced by leucine, an amino acid with similar properties. This amino acid position is well conserved in available vertebrate species. In addition, this alteration is predicted to be tolerated by in silico analysis. Since supporting evidence is limited at this time, the clinical significance of this alteration remains unclear.